The following is an entry in ClinVar:

ClinVar aggregate classification (germline): Likely pathogenic (1 of 4 stars; one submission).

Conditions:
Rhabdoid tumor predisposition syndrome 2 (RTPS2). Identifiers: Orphanet 231108, Orphanet 69077, MedGen C2750074, MONDO:0013224, OMIM 613325.

Submission:

Labcorp Genetics (formerly Invitae), Labcorp
Classification: Likely pathogenic for Rhabdoid tumor predisposition syndrome 2. Last evaluated: 2025-04-16. Review status: criteria provided, single submitter. Criteria: Invitae Variant Classification Sherloc (09022015). Collection method: clinical testing. Allele origin: germline.
Comment: This variant results in the deletion of part of exon 8 (c.1415_1419+15del) of the SMARCA4 gene. It is expected to disrupt RNA splicing. Variants that disrupt the donor or acceptor splice site typically lead to a loss of protein function (PMID: 16199547), and loss-of-function variants in SMARCA4 are known to be pathogenic (PMID: 24658001, 24658002). This variant is not present in population databases (gnomAD no frequency). This variant has not been reported in the literature in individuals affected with SMARCA4-related conditions. In summary, the currently available evidence indicates that the variant is pathogenic, but additional data are needed to prove that conclusively. Therefore, this variant has been classified as Likely Pathogenic.

Literature cited by the submitters: PubMed 16199547; PubMed 24658001; PubMed 24658002.

NM_003072.5(SMARCA4):c.1415_1419+15del

Gene: SMARCA4 (SWI/SNF related BAF chromatin remodeling complex subunit ATPase 4; plus strand). Cytogenetic location: 19p13.2.
Variant type: Deletion.
Coding change: c.1415_1419+15del on transcript NM_003072.5 (MANE Select); coding-DNA position 1415 through 15 bases into the intron after coding-DNA position 1419, 20 bases deleted (ACCAGGTACGCTCCGGTGGC).
Molecular consequence: splice donor variant.
Genome position (GRCh38, 1-based): chr19:10,991,319-10,991,338, ACCAGGTACGCTCCGGTGGC deleted; deleting any 20 consecutive bases within chr19:10,991,317-10,991,338 gives the same sequence; the c. name uses the placement nearest the transcript's 3' end. VCF-style (leftmost placement, unchanged base first): chr19-10991316-AGCACCAGGTACGCTCCGGTG-A. GRCh37 (hg19) VCF-style: chr19-11101992-AGCACCAGGTACGCTCCGGTG-A.
Other names: c.1415_1419+15del (NM_001128844.3, NM_001128849.3, NM_001128847.4 and 6 more transcripts).
Identifiers: ClinVar variation 4717577 (VCV004717577.1).